The following is an entry in ClinVar:

ClinVar aggregate classification (germline): Likely benign (1 of 4 stars; one submission).

Conditions:
PKD1-related disorder. Also called: PKD1-related condition.

gnomAD v4.1: 53 of 1,465,314 alleles (0.0036%); highest among the groups gnomAD compares: Non-Finnish European, 0.003%; no homozygotes.

Submission:

PreventionGenetics, part of Exact Sciences
Classification: Likely benign for PKD1-related condition. Last evaluated: 2026-06-08. Review status: criteria provided, single submitter. Criteria: ACMG Guidelines, 2015. Collection method: clinical testing. Allele origin: germline.
Comment: This variant is classified as likely benign based on ACMG/AMP sequence variant interpretation guidelines (Richards et al. 2015 PMID: 25741868, with internal and published modifications).

NM_001009944.3(PKD1):c.11722C>T (p.Leu3908=)

Gene: PKD1 (polycystin 1, transient receptor potential channel interacting; minus strand). Cytogenetic location: 16p13.3.
Variant type: single nucleotide variant.
Coding change: c.11722C>T on transcript NM_001009944.3 (MANE Select); coding-DNA position 11722, C replaced by T.
Protein change: p.Leu3908=; no amino-acid change (leucine 3908 retained).
Molecular consequence: synonymous variant.
Genome position (GRCh38, 1-based): chr16:2,091,165, G>A on the plus strand (C>T on the coding strand, the complement: PKD1 is on the minus strand). VCF-style: chr16-2091165-G-A. GRCh37 (hg19) VCF-style: chr16-2141166-G-A.
Other names: c.11719C>T, p.Leu3907= (NM_000296.4).
Identifiers: ClinVar variation 5000765 (VCV005000765.1).